The following is an entry in ClinVar:

NM_004304.5(ALK):c.1546+103G>A

Gene: ALK (ALK receptor tyrosine kinase; minus strand). Cytogenetic location: 2p23.2.
Variant type: single nucleotide variant.
Coding change: c.1546+103G>A on transcript NM_004304.5 (MANE Select); 103 bases into the intron after coding-DNA position 1546, G replaced by A.
Molecular consequence: intron variant.
Genome position (GRCh38, 1-based): chr2:29,320,648, C>T on the plus strand (G>A on the coding strand, the complement: ALK is on the minus strand). VCF-style: chr2-29320648-C-T. GRCh37 (hg19) VCF-style: chr2-29543514-C-T.
Other names: NC_000002.11:g.29543514C>T.
Identifiers: ClinVar variation 676838 (VCV000676838.2), dbSNP rs12151564, ClinGen allele CA11286201.

ClinVar aggregate classification (germline): Benign (1 of 4 stars; one submission).

Allele frequency attached by ClinVar (database versions not stated): gnomAD 0.06767 and 0.06571; 1000 Genomes Project 30x 0.06964; TOPMed 0.06417; 1000 Genomes Project 0.07268.
gnomAD v4.1: 116,831 of 1,534,842 alleles (7.6%); highest among the groups gnomAD compares: South Asian, 13%; 4,667 homozygotes.

Submissions (6):

GeneDx
Classification: Benign. Last evaluated: 2018-06-20. Review status: criteria provided, single submitter. Criteria: GeneDx Variant Classification (06012015). Collection method: clinical testing. Allele origin: germline. Affected: yes.
Comment: This variant is considered likely benign or benign based on one or more of the following criteria: it is a conservative change, it occurs at a poorly conserved position in the protein, it is predicted to be benign by multiple in silico algorithms, and/or has population frequency not consistent with disease.

Dr. Peter K. Rogan Lab, Western University
No classification provided (evidence only). Condition: Chronic lymphocytic leukemia/small lymphocytic lymphoma. Review status: no classification provided. Collection method: in vitro. Allele origin: not applicable. Functional consequence: retained intron. Not counted in ClinVar's aggregate classification.

Dr. Peter K. Rogan Lab, Western University
No classification provided (evidence only). Condition: Nonpapillary renal cell carcinoma. Review status: no classification provided. Collection method: in vitro. Allele origin: not applicable. Functional consequence: retained intron. Not counted in ClinVar's aggregate classification.

Dr. Peter K. Rogan Lab, Western University
No classification provided (evidence only). Condition: Ovarian cancer. Review status: no classification provided. Collection method: in vitro. Allele origin: not applicable. Functional consequence: skipped exon. Not counted in ClinVar's aggregate classification.

Dr. Peter K. Rogan Lab, Western University
No classification provided (evidence only). Condition: Ovarian cancer. Review status: no classification provided. Collection method: in vitro. Allele origin: not applicable. Functional consequence: retained intron. Not counted in ClinVar's aggregate classification.

Dr. Peter K. Rogan Lab, Western University
No classification provided (evidence only). Condition: Ovarian cancer. Review status: no classification provided. Collection method: in vitro. Allele origin: not applicable. Functional consequence: retained intron. Not counted in ClinVar's aggregate classification.